The following is an entry in ClinVar:

ClinVar aggregate classification (germline): Uncertain significance (1 of 4 stars; one submission).

gnomAD v4.1: 5 of 1,614,060 alleles (0.00031%); highest among the groups gnomAD compares: Admixed American, 0.0083%; no homozygotes.

Submission:

Labcorp Genetics (formerly Invitae), Labcorp
Classification: Uncertain significance. Last evaluated: 2024-05-30. Review status: criteria provided, single submitter. Criteria: Invitae Variant Classification Sherloc (09022015). Collection method: clinical testing. Allele origin: germline.
Comment: This sequence change replaces isoleucine, which is neutral and non-polar, with leucine, which is neutral and non-polar, at codon 321 of the BPTF protein (p.Ile321Leu). This variant is present in population databases (rs770051470, gnomAD 0.009%). This variant has not been reported in the literature in individuals affected with BPTF-related conditions. An algorithm developed to predict the effect of missense changes on protein structure and function (PolyPhen-2) suggests that this variant is likely to be tolerated. In summary, the available evidence is currently insufficient to determine the role of this variant in disease. Therefore, it has been classified as a Variant of Uncertain Significance.

NM_182641.4(BPTF):c.961A>C (p.Ile321Leu)

Gene: BPTF (bromodomain PHD finger transcription factor; plus strand). Cytogenetic location: 17q24.2.
Variant type: single nucleotide variant.
Coding change: c.961A>C on transcript NM_182641.4 (MANE Select); coding-DNA position 961, A replaced by C.
Protein change: p.Ile321Leu; replaces isoleucine 321 with leucine.
Molecular consequence: missense variant.
Genome position (GRCh38, 1-based): chr17:67,854,287, A>C. VCF-style: chr17-67854287-A-C. GRCh37 (hg19) VCF-style: chr17-65850403-A-C.
Other names: c.961A>C, p.Ile321Leu (NM_004459.7); short protein forms I321L.
Identifiers: ClinVar variation 3655061 (VCV003655061.2).